The following is an entry in ClinVar:

NM_001385125.1(OPN1SW):c.404A>G (p.Lys135Arg)

Gene: OPN1SW (opsin 1, short wave sensitive; minus strand). Cytogenetic location: 7q32.1.
Variant type: single nucleotide variant.
Coding change: c.404A>G on transcript NM_001385125.1 (MANE Select); coding-DNA position 404, A replaced by G.
Protein change: p.Lys135Arg; replaces lysine 135 with arginine.
Molecular consequence: missense variant.
Genome position (GRCh38, 1-based): chr7:128,775,094, T>C on the plus strand (A>G on the coding strand, the complement: OPN1SW is on the minus strand). VCF-style: chr7-128775094-T-C. GRCh37 (hg19) VCF-style: chr7-128415148-T-C.
Other names: short protein forms K135R.
Identifiers: ClinVar variation 1372855 (VCV001372855.8), dbSNP rs1801732041, ClinGen allele CA369220619.

ClinVar aggregate classification (germline): Uncertain significance (1 of 4 stars; one submission).

Allele frequency attached by ClinVar (database versions not stated): gnomAD exomes below 0.00001.
gnomAD v4.1: 3 of 1,614,186 alleles (0.00019%); highest among the groups gnomAD compares: Non-Finnish European, 0.00017%; no homozygotes.

Submission:

Labcorp Genetics (formerly Invitae), Labcorp
Classification: Uncertain significance. Last evaluated: 2021-02-15. Review status: criteria provided, single submitter. Criteria: Invitae Variant Classification Sherloc (09022015). Collection method: clinical testing. Allele origin: germline.
Comment: Algorithms developed to predict the effect of missense changes on protein structure and function (SIFT, PolyPhen-2, Align-GVGD) all suggest that this variant is likely to be disruptive, but these predictions have not been confirmed by published functional studies and their clinical significance is uncertain. This variant has not been reported in the literature in individuals with OPN1SW-related conditions. This variant is not present in population databases (ExAC no frequency). This sequence change replaces lysine with arginine at codon 138 of the OPN1SW protein (p.Lys138Arg). The lysine residue is highly conserved and there is a small physicochemical difference between lysine and arginine. Algorithms developed to predict the effect of sequence changes on RNA splicing suggest that this variant may create or strengthen a splice site, but this prediction has not been confirmed by published transcriptional studies. In summary, the available evidence is currently insufficient to determine the role of this variant in disease. Therefore, it has been classified as a Variant of Uncertain Significance.